The following is an entry in ClinVar:

NM_000135.4(FANCA):c.2791G>C (p.Asp931His)

Gene: FANCA (FA complementation group A; minus strand). Cytogenetic location: 16q24.3.
Variant type: single nucleotide variant.
Coding change: c.2791G>C on transcript NM_000135.4 (MANE Select); coding-DNA position 2791, G replaced by C.
Protein change: p.Asp931His; replaces aspartic acid 931 with histidine.
Molecular consequence: missense variant.
Genome position (GRCh38, 1-based): chr16:89,762,010, C>G on the plus strand (G>C on the coding strand, the complement: FANCA is on the minus strand). VCF-style: chr16-89762010-C-G. GRCh37 (hg19) VCF-style: chr16-89828418-C-G.
Other names: c.2791G>C, p.Asp931His (NM_001286167.3); short protein forms D931H.
Identifiers: ClinVar variation 1947115 (VCV001947115.2), dbSNP rs1433611850, ClinGen allele CA397433919.

ClinVar aggregate classification (germline): Uncertain significance (1 of 4 stars; one submission).

Conditions:
Fanconi anemia (FA). Also called: Fanconi's anemia. Identifiers: Orphanet 84, MedGen C0015625, MeSH D005199, MONDO:0019391.

Allele frequency attached by ClinVar (database versions not stated): gnomAD exomes below 0.00001.
gnomAD v4.1: 3 of 1,613,704 alleles (0.00019%); highest among the groups gnomAD compares: Admixed American, 0.0033%; no homozygotes.

Submission:

Labcorp Genetics (formerly Invitae), Labcorp
Classification: Uncertain significance for Fanconi anemia. Last evaluated: 2021-08-30. Review status: criteria provided, single submitter. Criteria: Invitae Variant Classification Sherloc (09022015). Collection method: clinical testing. Allele origin: germline.
Comment: This sequence change replaces aspartic acid with histidine at codon 931 of the FANCA protein (p.Asp931His). The aspartic acid residue is moderately conserved and there is a moderate physicochemical difference between aspartic acid and histidine. This variant is not present in population databases (ExAC no frequency). This variant has not been reported in the literature in individuals affected with FANCA-related conditions. Algorithms developed to predict the effect of missense changes on protein structure and function are either unavailable or do not agree on the potential impact of this missense change (SIFT: "Deleterious"; PolyPhen-2: "Possibly Damaging"; Align-GVGD: "Class C0"). In summary, the available evidence is currently insufficient to determine the role of this variant in disease. Therefore, it has been classified as a Variant of Uncertain Significance.